The following is an entry in ClinVar:

ClinVar aggregate classification (germline): Uncertain significance (1 of 4 stars; one submission).

Conditions:
Perlman syndrome (PRLMNS). Identifiers: Orphanet 2849, MedGen C0796113, MONDO:0009965, OMIM 267000.

gnomAD v4.1: 2 of 1,610,828 alleles (0.00012%); highest among the groups gnomAD compares: Non-Finnish European, 0.00017%; no homozygotes.

Submission:

Labcorp Genetics (formerly Invitae), Labcorp
Classification: Uncertain significance for Perlman syndrome. Last evaluated: 2023-03-29. Review status: criteria provided, single submitter. Criteria: Invitae Variant Classification Sherloc (09022015). Collection method: clinical testing. Allele origin: germline.
Comment: ClinVar contains an entry for this variant (Variation ID: 935905). This variant has not been reported in the literature in individuals affected with DIS3L2-related conditions. This variant is not present in population databases (gnomAD no frequency). This sequence change replaces valine, which is neutral and non-polar, with methionine, which is neutral and non-polar, at codon 113 of the DIS3L2 protein (p.Val113Met). Advanced modeling of protein sequence and biophysical properties (such as structural, functional, and spatial information, amino acid conservation, physicochemical variation, residue mobility, and thermodynamic stability) has been performed at Invitae for this missense variant, however the output from this modeling did not meet the statistical confidence thresholds required to predict the impact of this variant on DIS3L2 protein function. In summary, the available evidence is currently insufficient to determine the role of this variant in disease. Therefore, it has been classified as a Variant of Uncertain Significance.

NM_152383.5(DIS3L2):c.337G>A (p.Val113Met)

Gene: DIS3L2 (DIS3 like 3'-5' exoribonuclease 2; plus strand). Cytogenetic location: 2q37.1.
Variant type: single nucleotide variant.
Coding change: c.337G>A on transcript NM_152383.5 (MANE Select); coding-DNA position 337, G replaced by A.
Protein change: p.Val113Met; replaces valine 113 with methionine.
Molecular consequence: missense variant. On other transcripts: non-coding transcript variant (2).
Genome position (GRCh38, 1-based): chr2:232,030,051, G>A. VCF-style: chr2-232030051-G-A. GRCh37 (hg19) VCF-style: chr2-232894761-G-A.
Other names: c.337G>A, p.Val113Met (NM_001257281.2, NM_001257282.2); short protein forms V113M.
Identifiers: ClinVar variation 935905 (VCV000935905.9), dbSNP rs766049780, ClinGen allele CA351152991.